The following is an entry in ClinVar:

NM_003907.3(EIF2B5):c.550A>T (p.Ile184Phe)

Gene: EIF2B5 (eukaryotic translation initiation factor 2B subunit epsilon; plus strand). Cytogenetic location: 3q27.1.
Variant type: single nucleotide variant.
Coding change: c.550A>T on transcript NM_003907.3 (MANE Select); coding-DNA position 550, A replaced by T.
Protein change: p.Ile184Phe; replaces isoleucine 184 with phenylalanine.
Molecular consequence: missense variant.
Genome position (GRCh38, 1-based): chr3:184,137,941, A>T. VCF-style: chr3-184137941-A-T. GRCh37 (hg19) VCF-style: chr3-183855729-A-T.
Other names: short protein forms I184F.
Identifiers: ClinVar variation 1465830 (VCV001465830.8), dbSNP rs1282408410, ClinGen allele CA355382213.
Genomic context (GRCh38, chr3:184,137,941, plus strand): 5'-CCTCCTGTCCTTTATAGGTTGAGACGGAAGCTAGAAAAAAATGTTTCTGTGATGACGATG[A>T]TCTTCAAGGAGTCATCCCCCAGCCACCCAACTCGTTGCCACGAAGACAATGTGGTAGTGG-3'
Protein context (NP_003898.2, residues 174-194): LEKNVSVMTM[Ile184Phe]FKESSPSHPT

ClinVar aggregate classification (germline): Uncertain significance (1 of 4 stars; one submission).

Submission:

Labcorp Genetics (formerly Invitae), Labcorp
Classification: Uncertain significance. Last evaluated: 2022-03-23. Review status: criteria provided, single submitter. Criteria: Invitae Variant Classification Sherloc (09022015). Collection method: clinical testing. Allele origin: germline.
Comment: This sequence change replaces isoleucine, which is neutral and non-polar, with phenylalanine, which is neutral and non-polar, at codon 184 of the EIF2B5 protein (p.Ile184Phe). This variant is not present in population databases (gnomAD no frequency). This variant has not been reported in the literature in individuals affected with EIF2B5-related conditions. Advanced modeling of protein sequence and biophysical properties (such as structural, functional, and spatial information, amino acid conservation, physicochemical variation, residue mobility, and thermodynamic stability) performed at Invitae indicates that this missense variant is expected to disrupt EIF2B5 protein function. In summary, the available evidence is currently insufficient to determine the role of this variant in disease. Therefore, it has been classified as a Variant of Uncertain Significance.